The following is an entry in ClinVar:

ClinVar aggregate classification (germline): Uncertain significance (1 of 4 stars; one submission).

Allele frequency attached by ClinVar (database versions not stated): gnomAD exomes below 0.00001.
gnomAD v4.1: 6 of 1,603,638 alleles (0.00037%); highest among the groups gnomAD compares: South Asian, 0.0022%; no homozygotes.

Submission:

Labcorp Genetics (formerly Invitae), Labcorp
Classification: Uncertain significance. Last evaluated: 2020-09-25. Review status: criteria provided, single submitter. Criteria: Invitae Variant Classification Sherloc (09022015). Collection method: clinical testing. Allele origin: germline.
Comment: Algorithms developed to predict the effect of sequence changes on RNA splicing suggest that this variant may create or strengthen a splice site, but this prediction has not been confirmed by published transcriptional studies. In summary, the available evidence is currently insufficient to determine the role of this variant in disease. Therefore, it has been classified as a Variant of Uncertain Significance. Algorithms developed to predict the effect of missense changes on protein structure and function output the following: SIFT: "Tolerated"; PolyPhen-2: "Benign"; Align-GVGD: "Class C0". The valine amino acid residue is found in multiple mammalian species, suggesting that this missense change does not adversely affect protein function. These predictions have not been confirmed by published functional studies and their clinical significance is uncertain. This variant has not been reported in the literature in individuals with GEN1-related conditions. This variant is not present in population databases (ExAC no frequency). This sequence change replaces isoleucine with valine at codon 439 of the GEN1 protein (p.Ile439Val). The isoleucine residue is highly conserved and there is a small physicochemical difference between isoleucine and valine.

NM_001130009.3(GEN1):c.1315A>G (p.Ile439Val)

Gene: GEN1 (GEN1 structure-specific endonuclease; plus strand). Cytogenetic location: 2p24.2.
Variant type: single nucleotide variant.
Coding change: c.1315A>G on transcript NM_001130009.3 (MANE Select); coding-DNA position 1315, A replaced by G.
Protein change: p.Ile439Val; replaces isoleucine 439 with valine.
Molecular consequence: missense variant.
Genome position (GRCh38, 1-based): chr2:17,780,028, A>G. VCF-style: chr2-17780028-A-G. GRCh37 (hg19) VCF-style: chr2-17961295-A-G.
Other names: c.1315A>G, p.Ile439Val (NM_182625.5); short protein forms I439V.
Identifiers: ClinVar variation 1053744 (VCV001053744.9), dbSNP rs1672750674, ClinGen allele CA345923737.